The following is an entry in ClinVar:

ClinVar aggregate classification (germline): Uncertain significance. Review status: criteria provided, multiple submitters, no conflicts (2 of 4 stars). 2 submissions from 2 submitters: Uncertain significance (2). Last evaluated 2025-11-25.

Conditions:
Cardiovascular phenotype. Identifiers: MedGen CN230736.

Allele frequency attached by ClinVar (database versions not stated): TOPMed 0.00001.

Submissions (2):

Labcorp Genetics (formerly Invitae), Labcorp
Classification: Uncertain significance. Last evaluated: 2025-11-25. Review status: criteria provided, single submitter. Criteria: Invitae Variant Classification Sherloc (09022015). Collection method: clinical testing. Allele origin: germline.
Comment: This sequence change replaces proline, which is neutral and non-polar, with leucine, which is neutral and non-polar, at codon 195 of the ALPK3 protein (p.Pro195Leu). The frequency data for this variant in the population databases is considered unreliable, as metrics indicate insufficient coverage at this position in the gnomAD database. This variant has not been reported in the literature in individuals affected with ALPK3-related conditions. ClinVar contains an entry for this variant (Variation ID: 1750065). An algorithm developed to predict the effect of missense changes on protein structure and function (PolyPhen-2) suggests that this variant is likely to be tolerated. In summary, the available evidence is currently insufficient to determine the role of this variant in disease. Therefore, it has been classified as a Variant of Uncertain Significance.

Ambry Genetics
Classification: Uncertain significance for Cardiovascular phenotype. Last evaluated: 2022-06-06. Review status: criteria provided, single submitter. Criteria: Ambry Variant Classification Scheme 2023. Collection method: clinical testing. Allele origin: germline.
Comment: The p.P195L variant (also known as c.584C>T), located in coding exon 1 of the ALPK3 gene, results from a C to T substitution at nucleotide position 584. The proline at codon 195 is replaced by leucine, an amino acid with similar properties. This amino acid position is conserved. In addition, this alteration is predicted to be tolerated by in silico analysis. Since supporting evidence is limited at this time, the clinical significance of this alteration remains unclear.

NM_020778.5(ALPK3):c.-23C>T

Gene: ALPK3 (alpha kinase 3; plus strand). Cytogenetic location: 15q25.3.
Variant type: single nucleotide variant.
Coding change: c.-23C>T on transcript NM_020778.5 (MANE Select); 23 bases upstream of the start codon, C replaced by T.
Molecular consequence: 5 prime UTR variant.
Genome position (GRCh38, 1-based): chr15:84,817,430, C>T. VCF-style: chr15-84817430-C-T. GRCh37 (hg19) VCF-style: chr15-85360661-C-T.
Identifiers: ClinVar variation 1750065 (VCV001750065.3), dbSNP rs1201577923, ClinGen allele CA393369214.